The following is an entry in ClinVar:

ClinVar aggregate classification (germline): Conflicting classifications of pathogenicity. Review status: criteria provided, conflicting classifications (1 of 4 stars). 2 submissions from 2 submitters: Likely pathogenic (1); Uncertain significance (1). Last evaluated 2025-04-07.

gnomAD v4.1: 2 of 1,523,196 alleles (0.00013%); highest among the groups gnomAD compares: Non-Finnish European, 0.00018%; no homozygotes.

Submissions (2):

Labcorp Genetics (formerly Invitae), Labcorp
Classification: Uncertain significance. Last evaluated: 2025-04-07. Review status: criteria provided, single submitter. Criteria: Invitae Variant Classification Sherloc (09022015). Collection method: clinical testing. Allele origin: germline.
Comment: This sequence change replaces glycine, which is neutral and non-polar, with glutamic acid, which is acidic and polar, at codon 762 of the COL4A2 protein (p.Gly762Glu). This variant is not present in population databases (gnomAD no frequency). This variant has not been reported in the literature in individuals affected with COL4A2-related conditions. ClinVar contains an entry for this variant (Variation ID: 1694713). Invitae Evidence Modeling of protein sequence and biophysical properties (such as structural, functional, and spatial information, amino acid conservation, physicochemical variation, residue mobility, and thermodynamic stability) has been performed for this missense variant. However, the output from this modeling did not meet the statistical confidence thresholds required to predict the impact of this variant on COL4A2 protein function. In summary, the available evidence is currently insufficient to determine the role of this variant in disease. Therefore, it has been classified as a Variant of Uncertain Significance.

CeGaT Center for Human Genetics Tuebingen
Classification: Likely pathogenic. Last evaluated: 2022-05-01. Review status: criteria provided, single submitter. Criteria: CeGaT Center For Human Genetics Tuebingen Variant Classification Criteria Version 2. Collection method: clinical testing. Allele origin: germline. Affected: yes. Observed: 2 variant alleles.

NM_001846.4(COL4A2):c.2285G>A (p.Gly762Glu)

Gene: COL4A2 (collagen type IV alpha 2 chain; plus strand). Cytogenetic location: 13q34.
Variant type: single nucleotide variant.
Coding change: c.2285G>A on transcript NM_001846.4 (MANE Select); coding-DNA position 2285, G replaced by A.
Protein change: p.Gly762Glu; replaces glycine 762 with glutamic acid.
Molecular consequence: missense variant.
Genome position (GRCh38, 1-based): chr13:110,473,010, G>A. VCF-style: chr13-110473010-G-A. GRCh37 (hg19) VCF-style: chr13-111125357-G-A.
Other names: short protein forms G762E.
Identifiers: ClinVar variation 1694713 (VCV001694713.34), dbSNP rs1882538642, ClinGen allele CA388742244.